The following is an entry in ClinVar:

ClinVar aggregate classification (germline): Uncertain significance (1 of 4 stars; one submission).

Conditions:
Intellectual disability, X-linked 49 (MRXSRC). Also called: MRX49; MENTAL RETARDATION, X-LINKED 15; RAYNAUD-CLAES SYNDROME; CLCN4-Related Neurodevelopmental Disorder; CLCN4-related X-linked intellectual disability syndrome. Identifiers: Orphanet 485350, Orphanet 777, MedGen C0796221, MONDO:0010250, OMIM 300114.

Submission:

Dasa
Classification: Uncertain significance for Intellectual disability, X-linked 49. Last evaluated: 2025-05-14. Review status: criteria provided, single submitter. Criteria: DASA Assertion Criteria. Collection method: clinical testing. Allele origin: germline.
Comment: NM_001830.4(CLCN4):c.1369A>T (p.Ile457Leu) is a missense variant that results in the substitution of isoleucine with leucine. This variant is absent from population databases. The currently available literature and clinical evidence are not sufficient to establish a definitive association between this variant and the reported condition. Therefore, this variant is classified as a variant of uncertain significance.

NM_001830.4(CLCN4):c.1369A>T (p.Ile457Leu)

Gene: CLCN4 (Cl-/H+ antiporter 4; plus strand). Cytogenetic location: Xp22.2.
Variant type: single nucleotide variant.
Coding change: c.1369A>T on transcript NM_001830.4 (MANE Select); coding-DNA position 1369, A replaced by T.
Protein change: p.Ile457Leu; replaces isoleucine 457 with leucine.
Molecular consequence: missense variant.
Genome position (GRCh38, 1-based): chrX:10,208,570, A>T. VCF-style: chrX-10208570-A-T. GRCh37 (hg19) VCF-style: chrX-10176610-A-T.
Other names: c.1087A>T, p.Ile363Leu (NM_001256944.2); short protein forms I363L, I457L.
Identifiers: ClinVar variation 4882340 (VCV004882340.2).